The following is an entry in ClinVar:

NM_000478.6(ALPL):c.1274G>A (p.Gly425Asp)

Gene: ALPL (alkaline phosphatase, biomineralization associated; plus strand). Cytogenetic location: 1p36.12.
Variant type: single nucleotide variant.
Coding change: c.1274G>A on transcript NM_000478.6 (MANE Select); coding-DNA position 1274, G replaced by A.
Protein change: p.Gly425Asp; replaces glycine 425 with aspartic acid.
Molecular consequence: missense variant.
Genome position (GRCh38, 1-based): chr1:21,576,606, G>A. VCF-style: chr1-21576606-G-A. GRCh37 (hg19) VCF-style: chr1-21903099-G-A.
Other names: c.1109G>A, p.Gly370Asp (NM_001127501.4); c.1043G>A, p.Gly348Asp (NM_001177520.3); c.1274G>A, p.Gly425Asp (NM_001369803.2, NM_001369804.2, NM_001369805.2); short protein forms G425D, G370D, G348D.
Identifiers: ClinVar variation 295550 (VCV000295550.9), dbSNP rs781543452, ClinGen allele CA666790.

ClinVar aggregate classification (germline): Uncertain significance. Review status: criteria provided, multiple submitters, no conflicts (2 of 4 stars). 4 submissions from 4 submitters: Uncertain significance (4). Last evaluated 2026-09-01.

Conditions:
Adult hypophosphatasia. Identifiers: Orphanet 247676, Orphanet 436, MedGen C0268413, MONDO:1010154, OMIM 146300, MONDO:0007798.
Childhood hypophosphatasia. Identifiers: Orphanet 247667, Orphanet 436, MedGen C0220743, MONDO:1010168, OMIM 241510, MONDO:0009428.
Infantile hypophosphatasia. Identifiers: Orphanet 247651, Orphanet 436, MedGen C0268412, MONDO:1010169, OMIM 241500, MONDO:0009427.
Hypophosphatasia. Also called: Phosphoethanol-aminuria. Identifiers: Orphanet 436, MedGen C0020630, MeSH D007014, MONDO:0018570.

Allele frequency attached by ClinVar (database versions not stated): gnomAD exomes below 0.00001 and 0.00001; ExAC 0.00001; TOPMed 0.00001.
gnomAD v4.1: 5 of 1,613,980 alleles (0.00031%); highest among the groups gnomAD compares: Admixed American, 0.0067%; no homozygotes.

Submissions (4):

Genomenon, Inc
Classification: Uncertain significance for Hypophosphatasia. Last evaluated: 2026-09-01. Review status: criteria provided, single submitter. Criteria: Genomenon Sequence Variant Interpretation Standards - Updated. Collection method: curation. Allele origin: germline. Affected: no.
Comment: ALPL p.Gly425Asp (c.1274G>A) is a missense variant that changes the amino acid at codon 425 from Glycine to Aspartic acid. This variant has been reported in the published literature (PMID:32160374). It is absent or not present at a significant frequency in gnomAD. In silico models predict that this variant is not damaging. In conclusion, we classify ALPL p.Gly425Asp (c.1274G>A) as a variant of uncertain significance.

Labcorp Genetics (formerly Invitae), Labcorp
Classification: Uncertain significance. Last evaluated: 2026-01-08. Review status: criteria provided, single submitter. Criteria: Invitae Variant Classification Sherloc (09022015). Collection method: clinical testing. Allele origin: germline.
Comment: This sequence change replaces glycine, which is neutral and non-polar, with aspartic acid, which is acidic and polar, at codon 425 of the ALPL protein (p.Gly425Asp). This variant is present in population databases (rs781543452, gnomAD 0.006%). This variant has not been reported in the literature in individuals affected with ALPL-related conditions. ClinVar contains an entry for this variant (Variation ID: 295550). Invitae Evidence Modeling of protein sequence and biophysical properties (such as structural, functional, and spatial information, amino acid conservation, physicochemical variation, residue mobility, and thermodynamic stability) indicates that this missense variant is not expected to disrupt ALPL protein function with a negative predictive value of 95%. In summary, the available evidence is currently insufficient to determine the role of this variant in disease. Therefore, it has been classified as a Variant of Uncertain Significance.

Fulgent Genetics
Classification: Uncertain significance for Adult hypophosphatasia; Infantile hypophosphatasia; Childhood hypophosphatasia. Last evaluated: 2022-05-13. Review status: criteria provided, single submitter. Criteria: ACMG Guidelines, 2015. Collection method: clinical testing. Allele origin: unknown.

Illumina Laboratory Services, Illumina
Classification: Uncertain significance for Hypophosphatasia. Last evaluated: 2018-01-13. Review status: criteria provided, single submitter. Criteria: ICSL Variant Classification Criteria 13 December 2019. Collection method: clinical testing. Allele origin: germline.

Literature cited by the submitters: PubMed 32160374 (cited by Genomenon, Inc).